The following is an entry in ClinVar:

ClinVar aggregate classification (germline): Uncertain significance (1 of 4 stars; one submission).

Allele frequency attached by ClinVar (database versions not stated): gnomAD exomes below 0.00001; TOPMed below 0.00001.
gnomAD v4.1: 3 of 1,614,124 alleles (0.00019%); highest among the groups gnomAD compares: Non-Finnish European, 0.00025%; no homozygotes.

Submission:

Labcorp Genetics (formerly Invitae), Labcorp
Classification: Uncertain significance. Last evaluated: 2026-01-17. Review status: criteria provided, single submitter. Criteria: Invitae Variant Classification Sherloc (09022015). Collection method: clinical testing. Allele origin: germline.
Comment: This sequence change replaces threonine, which is neutral and polar, with isoleucine, which is neutral and non-polar, at codon 1880 of the VCAN protein (p.Thr1880Ile). This variant is not present in population databases (gnomAD no frequency). This variant has not been reported in the literature in individuals affected with VCAN-related conditions. ClinVar contains an entry for this variant (Variation ID: 1498568). An algorithm developed to predict the effect of missense changes on protein structure and function (PolyPhen-2) suggests that this variant is likely to be tolerated. In summary, the available evidence is currently insufficient to determine the role of this variant in disease. Therefore, it has been classified as a Variant of Uncertain Significance.

NM_004385.5(VCAN):c.5639C>T (p.Thr1880Ile)

Genes: VCAN (versican; plus strand), VCAN-AS1 (VCAN antisense RNA 1; minus strand). Cytogenetic location: 5q14.3.
Variant type: single nucleotide variant.
Coding change: c.5639C>T on transcript NM_004385.5 (MANE Select); coding-DNA position 5639, C replaced by T.
Protein change: p.Thr1880Ile; replaces threonine 1880 with isoleucine.
Molecular consequence: missense variant. On other transcripts: intron variant (2).
Genome position (GRCh38, 1-based): chr5:83,538,642, C>T. VCF-style: chr5-83538642-C-T. GRCh37 (hg19) VCF-style: chr5-82834461-C-T.
Other names: c.2678C>T, p.Thr893Ile (NM_001164097.2); c.4004-6895C>T (NM_001164098.2); c.1043-6895C>T (NM_001126336.3); short protein forms T1880I, T893I.
Identifiers: ClinVar variation 1498568 (VCV001498568.8), dbSNP rs1746828855, ClinGen allele CA360310834.
Genomic context (GRCh38, chr5:83,538,642, plus strand): 5'-TTCAAGCCGAAAAGGAAGTAGCTGGCACTTTGTCTCCGCATGTGGAAACTACATTCTCCA[C>T]TGAGCCAACAGGACTGGTTTTGAGTACAGTAATGGACAGAGTAGTTGCTGAAAATATAAC-3'
Protein context (NP_004376.2, residues 1870-1890): LSPHVETTFS[Thr1880Ile]EPTGLVLSTV